The following is an entry in ClinVar:

NM_002317.7(LOX):c.1044T>A (p.Ser348Arg)

Genes: LOX (lysyl oxidase; minus strand), SRFBP1 (serum response factor binding protein 1; plus strand). Cytogenetic location: 5q23.1.
Variant type: single nucleotide variant.
Coding change: c.1044T>A on transcript NM_002317.7 (MANE Select); coding-DNA position 1044, T replaced by A.
Protein change: p.Ser348Arg; replaces serine 348 with arginine.
Molecular consequence: missense variant.
Genome position (GRCh38, 1-based): chr5:122,070,581, A>T on the plus strand (T>A on the coding strand, the complement: LOX is on the minus strand). VCF-style: chr5-122070581-A-T. GRCh37 (hg19) VCF-style: chr5-121406276-A-T.
Other names: c.354T>A, p.Ser118Arg (NM_001178102.2); c.153T>A, p.Ser51Arg (NM_001317073.1); short protein forms S348R, S51R, S118R.
Identifiers: ClinVar variation 617849 (VCV000617849.22), dbSNP rs1561417568, ClinGen allele CA360880636.
Genomic context (GRCh38, chr5:122,070,581, plus strand): 5'-ATCTGTAATATCAATCCACTGGCAGTCTATGTCTGCACCATAGGTATCATAACAGCCAGG[A>T]CTCAATCCCTAAGATAAACAAAATAAAAAATTTAAAATTATGGTATGTGGTCAGACTATG-3'
Protein context (NP_002308.2, residues 338-358): FACTAHTQGL[Ser348Arg]PGCYDTYGAD

ClinVar aggregate classification (germline): Likely pathogenic. Review status: criteria provided, multiple submitters, no conflicts (2 of 4 stars). 5 submissions from 5 submitters: Likely pathogenic (4). 1 of the submissions does not count toward it. Last evaluated 2026-07-08.

Conditions:
Congenital aneurysm of ascending aorta (AAT1). Also called: Familial thoracic aortic aneurysm; Aortic aneurysm, thoracic; AORTIC ANEURYSM, FAMILIAL THORACIC 1; ANNULOAORTIC ECTASIA. Identifiers: Orphanet 229, MedGen C0345050, MONDO:0024559, OMIM 607086.
Acute aortic dissection. Identifiers: MedGen C0241868.
Familial aortopathy. Identifiers: MedGen CN078214.
Aortic aneurysm, familial thoracic 10 (AAT10). Identifiers: MedGen C4284414, MONDO:0014950, OMIM 617168.
Cardiovascular phenotype. Identifiers: MedGen CN230736.

Allele frequency attached by ClinVar (database versions not stated): gnomAD exomes below 0.00001.
gnomAD v4.1: 2 of 1,578,468 alleles (0.00013%); highest among the groups gnomAD compares: Non-Finnish European, 0.00017%; no homozygotes.

Submissions (5):

Ambry Genetics
Classification: Likely pathogenic for Cardiovascular phenotype. Last evaluated: 2026-07-08. Review status: criteria provided, single submitter. Criteria: Ambry Variant Classification Scheme 2023. Collection method: clinical testing. Allele origin: germline.
Comment: The p.S348R variant (also known as c.1044T>A), located in coding exon 5 of the LOX gene, results from a T to A substitution at nucleotide position 1044. The serine at codon 348 is replaced by arginine, an amino acid with dissimilar properties. This variant was reported in individual(s) with features consistent with LOX-related thoracic aortic aneurysm and dissection (Guo DC et al. Circ Res, 2016 Mar;118:928-34; Ambry internal data; external communication). Functional studies from one group indicated this variant to result in reduced amount of active protein and reduce enzyme activity compared to wild type; however, additional evidence is needed to confirm this finding (Guo DC et al. Circ Res, 2016 Mar;118:928-34). This amino acid position is highly conserved in available vertebrate species. In addition, this alteration is predicted to be deleterious by in silico analysis. This variant is considered to be rare based on population cohorts in the Genome Aggregation Database (gnomAD). Based on the majority of available evidence to date, this variant is likely to be pathogenic.

Women's Health and Genetics/Laboratory Corporation of America, LabCorp
Classification: Likely pathogenic for Familial aortopathy. Last evaluated: 2026-04-30. Review status: criteria provided, single submitter. Criteria: LabCorp Variant Classification Summary - May 2015. Collection method: clinical testing. Allele origin: germline.
Comment: Variant summary: LOX c.1044T>A (p.Ser348Arg) results in a non-conservative amino acid change in the encoded protein sequence. Algorithms developed to predict the effect of missense changes on protein structure and function are either unavailable or do not agree on the potential impact of this missense change. The variant was absent in 247236 control chromosomes. c.1044T>A has been observed in individual(s) affected with Aortopathy and related conditions (Gao_2016, Internal_testing, external communication). These data indicate that the variant may be associated with disease. At least one publication reports experimental evidence evaluating an impact on protein function. The variant effect results in decreased activity compared to wildtype (Gao_2016). Internally validated machine learning-based Evidence Modeling of protein sequence and biophysical properties (such as structural, functional, and spatial information, amino acid conservation, physicochemical variation, residue mobility, and thermodynamic stability) indicates that this missense variant is expected to disrupt protein function with a positive predictive value of at least 95%. The following publications have been ascertained in the context of this evaluation (PMID: 26838787).ClinVar contains an entry for this variant (Variation ID: 617849). Based on the evidence outlined above, the variant was classified as likely pathogenic.

Labcorp Genetics (formerly Invitae), Labcorp
Classification: Likely pathogenic. Last evaluated: 2025-12-30. Review status: criteria provided, single submitter. Criteria: Invitae Variant Classification Sherloc (09022015). Collection method: clinical testing. Allele origin: germline.
Comment: This sequence change replaces serine, which is neutral and polar, with arginine, which is basic and polar, at codon 348 of the LOX protein (p.Ser348Arg). This variant is not present in population databases (gnomAD no frequency). This missense change has been observed in individuals with thoracic aortic aneurysm and dissection (PMID: 26838787; internal data). ClinVar contains an entry for this variant (Variation ID: 617849). Invitae Evidence Modeling of protein sequence and biophysical properties (such as structural, functional, and spatial information, amino acid conservation, physicochemical variation, residue mobility, and thermodynamic stability) indicates that this missense variant is expected to disrupt LOX protein function with a positive predictive value of 95%. Experimental studies have shown that this missense change affects LOX function (PMID: 26838787). In summary, the currently available evidence indicates that the variant is pathogenic, but additional data are needed to prove that conclusively. Therefore, this variant has been classified as Likely Pathogenic.

GeneDx
Classification: Likely pathogenic. Last evaluated: 2024-06-10. Review status: criteria provided, single submitter. Criteria: GeneDx Variant Classification Process June 2021. Collection method: clinical testing. Allele origin: germline. Affected: yes.
Comment: Published functional studies suggest a damaging effect as this variant leads to reduced enzymatic activity (PMID: 26838787); In silico analysis supports that this missense variant has a deleterious effect on protein structure/function; Not observed at significant frequency in large population cohorts (gnomAD); This variant is associated with the following publications: (PMID: 29961567, 26838787)

University of Washington Center for Mendelian Genomics, University of Washington
Classification: Pathogenic for Familial thoracic aortic aneurysms; Acute aortic dissections. Last evaluated: 2016-01-12. Review status: no assertion criteria provided. Collection method: research. Allele origin: unknown. Inheritance: Autosomal dominant inheritance. Affected: yes. Observed: 4 heterozygotes. Not counted in ClinVar's aggregate classification.

Literature cited by the submitters: PubMed 26838787 (cited by 3 submitters); PubMed 29961567 (cited by Ambry Genetics); PubMed 31211696 (cited by Ambry Genetics); PubMed 31459939 (cited by Ambry Genetics); PMC 4839295 (cited by University of Washington Center for Mendelian Genomics, University of Washington).